The following is an entry in ClinVar:

ClinVar aggregate classification (germline): Likely benign (1 of 4 stars; one submission).

Conditions:
Catecholaminergic polymorphic ventricular tachycardia (CVPT). Also called: Catecholamine-induced polymorphic ventricular tachycardia. Identifiers: Orphanet 3286, MedGen C5574922, MONDO:0017990.

gnomAD v4.1: 1 of 1,614,028 alleles (0.000062%); highest among the groups gnomAD compares: Non-Finnish European, 0.000085%; no homozygotes.

Submission:

All of Us Research Program, National Institutes of Health
Classification: Likely benign for Catecholaminergic polymorphic ventricular tachycardia. Last evaluated: 2024-05-30. Review status: criteria provided, single submitter. Criteria: ACMG Guidelines, 2015. Collection method: clinical testing. Allele origin: germline. Inheritance: Autosomal dominant inheritance. Observed: 1 variant allele, 1 heterozygote.
Comment: This study involves interpretation of variants in research participants for the purpose of population health screening. Participant phenotype was not available at the time of variant classification. Additional details can be found in publication PMID: 35346344, PMCID: PMC8962531

NM_001035.3(RYR2):c.5076G>A (p.Lys1692=)

Gene: RYR2 (ryanodine receptor 2; plus strand). Cytogenetic location: 1q43.
Variant type: single nucleotide variant.
Coding change: c.5076G>A on transcript NM_001035.3 (MANE Select); coding-DNA position 5076, G replaced by A.
Protein change: p.Lys1692=; no amino-acid change (lysine 1692 retained).
Molecular consequence: synonymous variant.
Genome position (GRCh38, 1-based): chr1:237,614,204, G>A. VCF-style: chr1-237614204-G-A. GRCh37 (hg19) VCF-style: chr1-237777504-G-A.
Identifiers: ClinVar variation 3385734 (VCV003385734.1).